The following is an entry in ClinVar:

NM_005629.4(SLC6A8):c.856C>T (p.Leu286=)

Gene: SLC6A8 (solute carrier family 6 member 8; plus strand). Cytogenetic location: Xq28.
Variant type: single nucleotide variant.
Coding change: c.856C>T on transcript NM_005629.4 (MANE Select); coding-DNA position 856, C replaced by T.
Protein change: p.Leu286=; no amino-acid change (leucine 286 retained).
Molecular consequence: synonymous variant.
Genome position (GRCh38, 1-based): chrX:153,693,119, C>T. VCF-style: chrX-153693119-C-T. GRCh37 (hg19) VCF-style: chrX-152958574-C-T.
Other names: c.856C>T, p.Leu286= (NM_001142805.2); c.511C>T, p.Leu171= (NM_001142806.1).
Identifiers: ClinVar variation 509842 (VCV000509842.11), dbSNP rs782005985, ClinGen allele CA10549338.
Genomic context (GRCh38, chrX:153,693,119, plus strand): 5'-ACATTCCCCTACGTGGTCCTGGTCGTGCTGCTGGTGCGTGGAGTGCTGCTGCCTGGCGCC[C>T]TGGATGGCATCATTTACTATCTCAAGCCTGACTGGTCAAAGCTGGGGTCCCCTCAGGTGA-3'
Protein context (NP_005620.1, residues 276-296): LVRGVLLPGA[Leu286=]DGIIYYLKPD

ClinVar aggregate classification (germline): Benign/Likely benign. Review status: criteria provided, multiple submitters, no conflicts (2 of 4 stars). 3 submissions from 3 submitters: Benign (1); Likely benign (2). Last evaluated 2026-01-26.

Conditions:
Inborn genetic diseases. Identifiers: MedGen C0950123, MeSH D030342.
Creatine transporter deficiency (CCDS1). Also called: Creatine Transporter (CRTR) Deficiency; Mental retardation , X-linked with seizures, short stature and midface hypoplasia; Mental retardation , X-linked, with creatine transport deficiency; X-linked creatine transporter deficiency; X-linked creatine deficiency syndrome; SLC6A8-Related Creatine Transporter Deficiency. Identifiers: Orphanet 52503, MedGen C1845862, MONDO:0010305, OMIM 300352.

Allele frequency attached by ClinVar (database versions not stated): TOPMed 0.00005; gnomAD exomes 0.00009; ExAC 0.00010.
gnomAD v4.1: 99 of 1,209,213 alleles (0.0082%); highest among the groups gnomAD compares: Middle Eastern, 0.025%; no homozygotes.

Submissions (3):

Labcorp Genetics (formerly Invitae), Labcorp
Classification: Benign for Creatine transporter deficiency. Last evaluated: 2026-01-26. Review status: criteria provided, single submitter. Criteria: Invitae Variant Classification Sherloc (09022015). Collection method: clinical testing. Allele origin: germline.

GeneDx
Classification: Likely benign. Last evaluated: 2018-03-12. Review status: criteria provided, single submitter. Criteria: GeneDx Variant Classification (06012015). Collection method: clinical testing. Allele origin: germline. Affected: yes.
Comment: This variant is considered likely benign or benign based on one or more of the following criteria: it is a conservative change, it occurs at a poorly conserved position in the protein, it is predicted to be benign by multiple in silico algorithms, and/or has population frequency not consistent with disease.

Ambry Genetics
Classification: Likely benign for Inborn genetic diseases. Last evaluated: 2017-11-13. Review status: criteria provided, single submitter. Criteria: Ambry Variant Classification Scheme 2023. Collection method: clinical testing. Allele origin: germline.